The following is an entry in ClinVar:

ClinVar aggregate classification (germline): Uncertain significance (1 of 4 stars; one submission).

Conditions:
Familial cold autoinflammatory syndrome 3 (FCAS3). Also called: FAMILIAL ATYPICAL COLD URTICARIA; ANTIBODY DEFICIENCY AND IMMUNE DYSREGULATION, PLCG2-ASSOCIATED. Identifiers: Orphanet 300359, MedGen C3280914, MONDO:0013766, OMIM 614468.

Submission:

Labcorp Genetics (formerly Invitae), Labcorp
Classification: Uncertain significance for Familial cold autoinflammatory syndrome 3. Last evaluated: 2025-10-01. Review status: criteria provided, single submitter. Criteria: Invitae Variant Classification Sherloc (09022015). Collection method: clinical testing. Allele origin: germline.
Comment: This sequence change replaces asparagine, which is neutral and polar, with lysine, which is basic and polar, at codon 744 of the PLCG2 protein (p.Asn744Lys). This variant is not present in population databases (gnomAD no frequency). This variant has not been reported in the literature in individuals affected with PLCG2-related conditions. An algorithm developed to predict the effect of missense changes on protein structure and function (PolyPhen-2) suggests that this variant is likely to be tolerated. In summary, the available evidence is currently insufficient to determine the role of this variant in disease. Therefore, it has been classified as a Variant of Uncertain Significance.

NM_002661.5(PLCG2):c.2232T>A (p.Asn744Lys)

Gene: PLCG2 (phospholipase C gamma 2; plus strand). Cytogenetic location: 16q23.3.
Variant type: single nucleotide variant.
Coding change: c.2232T>A on transcript NM_002661.5 (MANE Select); coding-DNA position 2232, T replaced by A.
Protein change: p.Asn744Lys; replaces asparagine 744 with lysine.
Molecular consequence: missense variant.
Genome position (GRCh38, 1-based): chr16:81,919,661, T>A. VCF-style: chr16-81919661-T-A. GRCh37 (hg19) VCF-style: chr16-81953266-T-A.
Other names: c.2232T>A, p.Asn744Lys (NM_001425749.1, NM_001425750.1, NM_001425751.1); short protein forms N744K.
Identifiers: ClinVar variation 4728313 (VCV004728313.1).